The following is an entry in ClinVar:

ClinVar aggregate classification (germline): Uncertain significance. Review status: criteria provided, multiple submitters, no conflicts (2 of 4 stars). 2 submissions from 2 submitters: Uncertain significance (2). Last evaluated 2025-03-21.

Conditions:
Inborn genetic diseases. Identifiers: MedGen C0950123, MeSH D030342.
46,XY sex reversal 9 (SRXY9). Also called: 46,XY SEX REVERSAL, ZFPM2-RELATED. Identifiers: Orphanet 251510, MedGen C4015129, MONDO:0014480, OMIM 616067.

Allele frequency attached by ClinVar (database versions not stated): gnomAD 0.00001; ExAC 0.00002; gnomAD exomes 0.00003 and 0.00004; TOPMed 0.00008.
gnomAD v4.1: 45 of 1,613,836 alleles (0.0028%); highest among the groups gnomAD compares: Admixed American, 0.0067%; no homozygotes.

Submissions (2):

Labcorp Genetics (formerly Invitae), Labcorp
Classification: Uncertain significance for 46,XY sex reversal 9. Last evaluated: 2025-03-21. Review status: criteria provided, single submitter. Criteria: Invitae Variant Classification Sherloc (09022015). Collection method: clinical testing. Allele origin: germline.
Comment: This sequence change replaces glutamine, which is neutral and polar, with glutamic acid, which is acidic and polar, at codon 707 of the ZFPM2 protein (p.Gln707Glu). This variant is present in population databases (rs765282505, gnomAD 0.02%). This variant has not been reported in the literature in individuals affected with ZFPM2-related conditions. ClinVar contains an entry for this variant (Variation ID: 964519). An algorithm developed to predict the effect of missense changes on protein structure and function (PolyPhen-2) suggests that this variant is likely to be disruptive. In summary, the available evidence is currently insufficient to determine the role of this variant in disease. Therefore, it has been classified as a Variant of Uncertain Significance.

Ambry Genetics
Classification: Uncertain significance for Inborn genetic diseases. Last evaluated: 2024-10-03. Review status: criteria provided, single submitter. Criteria: Ambry Variant Classification Scheme 2023. Collection method: clinical testing. Allele origin: germline.

NM_012082.4(ZFPM2):c.2119C>G (p.Gln707Glu)

Genes: ZFPM2 (zinc finger protein, FOG family member 2; plus strand), ZFPM2-AS1 (ZFPM2 antisense RNA 1; minus strand). Cytogenetic location: 8q23.1.
Variant type: single nucleotide variant.
Coding change: c.2119C>G on transcript NM_012082.4 (MANE Select); coding-DNA position 2119, C replaced by G.
Protein change: p.Gln707Glu; replaces glutamine 707 with glutamic acid.
Molecular consequence: missense variant.
Genome position (GRCh38, 1-based): chr8:105,802,201, C>G. VCF-style: chr8-105802201-C-G. GRCh37 (hg19) VCF-style: chr8-106814429-C-G.
Other names: c.1960C>G, p.Gln654Glu (NM_001362836.2); c.1723C>G, p.Gln575Glu (NM_001362837.2); short protein forms Q707E, Q575E, Q654E.
Identifiers: ClinVar variation 964519 (VCV000964519.9), dbSNP rs765282505, ClinGen allele CA4839866.